The following is an entry in ClinVar:

NM_001374736.1(DST):c.23205G>T (p.Lys7735Asn)

Gene: DST (dystonin; minus strand). Cytogenetic location: 6p12.1.
Variant type: single nucleotide variant.
Coding change: c.23205G>T on transcript NM_001374736.1 (MANE Select); coding-DNA position 23205, G replaced by T.
Protein change: p.Lys7735Asn; replaces lysine 7735 with asparagine.
Molecular consequence: missense variant.
Genome position (GRCh38, 1-based): chr6:56,459,257, C>A on the plus strand (G>T on the coding strand, the complement: DST is on the minus strand). VCF-style: chr6-56459257-C-A. GRCh37 (hg19) VCF-style: chr6-56324055-C-A.
Other names: c.16776G>T, p.Lys5592Asn (NM_001144769.5); c.16362G>T, p.Lys5454Asn (NM_001144770.2); c.23133G>T, p.Lys7711Asn (NM_001374722.1); c.22134G>T, p.Lys7378Asn (NM_001374729.1); c.15876G>T, p.Lys5292Asn (NM_001374730.1); c.23160G>T, p.Lys7720Asn (NM_001374734.1); c.15264G>T, p.Lys5088Asn (NM_015548.5); c.16242G>T, p.Lys5414Asn (NM_183380.4); short protein forms K5592N, K7720N, K5454N, K7711N, K5088N, K7378N, K7735N, K5292N.
Identifiers: ClinVar variation 970255 (VCV000970255.10), dbSNP rs1476392770, ClinGen allele CA364503533.

ClinVar aggregate classification (germline): Uncertain significance. Review status: criteria provided, multiple submitters, no conflicts (2 of 4 stars). 2 submissions from 2 submitters: Uncertain significance (2). Last evaluated 2020-10-19.

Conditions:
Inborn genetic diseases. Identifiers: MedGen C0950123, MeSH D030342.
Epidermolysis bullosa simplex 3, localized or generalized intermediate, with BP230 deficiency (EBS3). Also called: Epidermolysis bullosa simplex, autosomal recessive 2; Epidermolysis bullosa simplex due to BP230 deficiency. Identifiers: Orphanet 412181, MedGen C3809470, MONDO:0014180, OMIM 615425.
Hereditary sensory and autonomic neuropathy type 6. Also called: Neuropathy, hereditary sensory and autonomic, type VI; HSAN VI. Identifiers: Orphanet 314381, MedGen C3539003, MONDO:0013839, OMIM 614653.

Allele frequency attached by ClinVar (database versions not stated): gnomAD exomes below 0.00001.
gnomAD v4.1: 4 of 1,612,082 alleles (0.00025%); highest among the groups gnomAD compares: Non-Finnish European, 0.00034%; no homozygotes.

Submissions (2):

Ambry Genetics
Classification: Uncertain significance for Inborn genetic diseases. Last evaluated: 2020-10-19. Review status: criteria provided, single submitter. Criteria: Ambry Variant Classification Scheme 2023. Collection method: clinical testing. Allele origin: germline.
Comment: The p.K5592N variant (also known as c.16776G>T), located in coding exon 97 of the DST gene, results from a G to T substitution at nucleotide position 16776. The lysine at codon 5592 is replaced by asparagine, an amino acid with similar properties. This amino acid position is not well conserved in available vertebrate species. In addition, this alteration is predicted to be tolerated by in silico analysis. Since supporting evidence is limited at this time, the clinical significance of this alteration remains unclear.

Labcorp Genetics (formerly Invitae), Labcorp
Classification: Uncertain significance for Epidermolysis bullosa simplex 3, localized or generalized intermediate, with BP230 deficiency; Hereditary sensory and autonomic neuropathy type 6. Last evaluated: 2019-08-25. Review status: criteria provided, single submitter. Criteria: Invitae Variant Classification Sherloc (09022015). Collection method: clinical testing. Allele origin: germline.
Comment: In summary, the available evidence is currently insufficient to determine the role of this variant in disease. Therefore, it has been classified as a Variant of Uncertain Significance. Algorithms developed to predict the effect of missense changes on protein structure and function are either unavailable or do not agree on the potential impact of this missense change (SIFT: "Deleterious"; PolyPhen-2: "Not Available"; Align-GVGD: "Class C0"). This variant has not been reported in the literature in individuals with DST-related conditions. This variant is not present in population databases (ExAC no frequency). This sequence change replaces lysine with asparagine at codon 5088 of the DST protein (p.Lys5088Asn). The lysine residue is moderately conserved and there is a moderate physicochemical difference between lysine and asparagine. The DST gene has multiple clinically relevant transcripts. The p.Lys5088Asn variant occurs in alternate transcript NM_015548.4, which corresponds to c.*156260G>T in NM_001723.5, the primary transcript listed in the Methods.